The following is an entry in ClinVar:

ClinVar aggregate classification (germline): Uncertain significance (1 of 4 stars; one submission).

Submission:

GeneDx
Classification: Uncertain significance. Last evaluated: 2024-09-06. Review status: criteria provided, single submitter. Criteria: GeneDx Variant Classification Process June 2021. Collection method: clinical testing. Allele origin: germline.
Comment: In-frame deletion of 4 amino acids in a non-repeat region; Not observed at significant frequency in large population cohorts (gnomAD); In silico analysis supports that this variant does not alter protein structure/function; Has not been previously published as pathogenic or benign to our knowledge

NM_005334.3(HCFC1):c.4925_4936del (p.Ala1642_Ala1645del)

Gene: HCFC1 (host cell factor C1; minus strand). Cytogenetic location: Xq28.
Variant type: Deletion.
Coding change: c.4925_4936del on transcript NM_005334.3 (MANE Select); coding-DNA positions 4925 to 4936, 12 bases deleted (CGCAGCAGGCCG).
Protein change: p.Ala1642_Ala1645del.
Molecular consequence: inframe deletion.
Genome position (GRCh38, 1-based): chrX:153,952,520-153,952,531, CGGCCTGCTGCG deleted on the plus strand (CGCAGCAGGCCG on the coding strand, the reverse complement: HCFC1 is on the minus strand); deleting any 12 consecutive bases within chrX:153,952,520-153,952,538 gives the same sequence; the c. name uses the placement nearest the transcript's 3' end. VCF-style (leftmost placement, unchanged base first): chrX-153952519-ACGGCCTGCTGCG-A. GRCh37 (hg19) VCF-style: chrX-153217970-ACGGCCTGCTGCG-A.
Other names: c.5057_5068del, p.Ala1686_Ala1689del (NM_001410705.1).
Identifiers: ClinVar variation 2505042 (VCV002505042.2), dbSNP rs2521494237, ClinGen allele CA2580612519.